The following is an entry in ClinVar:

ClinVar aggregate classification (germline): Uncertain significance (1 of 4 stars; one submission).

Conditions:
Hereditary cancer-predisposing syndrome. Also called: Neoplastic Syndromes, Hereditary; Tumor predisposition; Hereditary Cancer Syndrome; Hereditary neoplastic syndrome. Identifiers: Orphanet 140162, MedGen C0027672, MeSH D009386, MONDO:0015356.

Submission:

Ambry Genetics
Classification: Uncertain significance for Hereditary cancer-predisposing syndrome. Last evaluated: 2026-05-01. Review status: criteria provided, single submitter. Criteria: Ambry Variant Classification Scheme 2023. Collection method: clinical testing. Allele origin: germline.
Comment: The p.Y1302C variant (also known as c.3905A>G), located in coding exon 19 of the MET gene, results from an A to G substitution at nucleotide position 3905. The tyrosine at codon 1302 is replaced by cysteine, an amino acid with highly dissimilar properties. This amino acid position is conserved. In addition, this alteration is predicted to be deleterious by in silico analysis. Based on the available evidence, the clinical significance of this variant remains unclear.

NM_000245.4(MET):c.3851A>G (p.Tyr1284Cys)

Gene: MET (MET proto-oncogene, receptor tyrosine kinase; plus strand). Cytogenetic location: 7q31.2.
Variant type: single nucleotide variant.
Coding change: c.3851A>G on transcript NM_000245.4 (MANE Select); coding-DNA position 3851, A replaced by G.
Protein change: p.Tyr1284Cys; replaces tyrosine 1284 with cysteine.
Molecular consequence: missense variant.
Genome position (GRCh38, 1-based): chr7:116,795,707, A>G. VCF-style: chr7-116795707-A-G. GRCh37 (hg19) VCF-style: chr7-116435761-A-G.
Other names: c.3905A>G, p.Tyr1302Cys (NM_001127500.3); c.2561A>G, p.Tyr854Cys (NM_001324402.2); short protein forms Y1284C, Y1302C, Y854C.
Identifiers: ClinVar variation 4859980 (VCV004859980.1).
Genomic context (GRCh38, chr7:116,795,707, plus strand): 5'-TTTACTAGTGGTCCTTTGGCGTGCTCCTCTGGGAGCTGATGACAAGAGGAGCCCCACCTT[A>G]TCCTGACGTAAACACCTTTGATATAACTGTTTACTTGTTGCAAGGGAGAAGACTCCTACA-3'
Protein context (NP_000236.2, residues 1274-1294): WELMTRGAPP[Tyr1284Cys]PDVNTFDITV